The following is an entry in ClinVar:

ClinVar aggregate classification (germline): Pathogenic (1 of 4 stars; one submission).

Conditions:
Charcot-Marie-Tooth disease type 4. Also called: Charcot-Marie-Tooth, Type 4; Charcot-Marie-Tooth disease, type IV. Identifiers: Orphanet 64749, MedGen C4082197, MONDO:0018995.

Submission:

Labcorp Genetics (formerly Invitae), Labcorp
Classification: Pathogenic for Charcot-Marie-Tooth disease type 4. Last evaluated: 2024-06-12. Review status: criteria provided, single submitter. Criteria: Invitae Variant Classification Sherloc (09022015). Collection method: clinical testing. Allele origin: germline.
Comment: This sequence change affects an acceptor splice site in intron 14 of the SH3TC2 gene. It is expected to disrupt RNA splicing. Variants that disrupt the donor or acceptor splice site typically lead to a loss of protein function (PMID: 16199547), and loss-of-function variants in SH3TC2 are known to be pathogenic (PMID: 20220177, 27068304). This variant is not present in population databases (gnomAD no frequency). Disruption of this splice site has been observed in individual(s) with Charcot-Marie-Tooth disease (PMID: 33643188). In at least one individual the data is consistent with being in trans (on the opposite chromosome) from a pathogenic variant. ClinVar contains an entry for this variant (Variation ID: 543324). Algorithms developed to predict the effect of sequence changes on RNA splicing suggest that this variant may disrupt the consensus splice site. For these reasons, this variant has been classified as Pathogenic.

Literature cited by the submitters: PubMed 16199547; PubMed 20220177; PubMed 27068304; PubMed 33643188.

NM_024577.4(SH3TC2):c.3328-1G>T

Gene: SH3TC2 (SH3 domain and tetratricopeptide repeats 2; minus strand). Cytogenetic location: 5q32.
Variant type: single nucleotide variant.
Coding change: c.3328-1G>T on transcript NM_024577.4 (MANE Select); the canonical splice acceptor site of the intron before coding-DNA position 3328, G replaced by T.
Molecular consequence: splice acceptor variant.
Genome position (GRCh38, 1-based): chr5:149,009,002, C>A on the plus strand (G>T on the coding strand, the complement: SH3TC2 is on the minus strand). VCF-style: chr5-149009002-C-A. GRCh37 (hg19) VCF-style: chr5-148388565-C-A.
Identifiers: ClinVar variation 543324 (VCV000543324.9), dbSNP rs1554120331, ClinGen allele CA361664762.